The following is an entry in ClinVar:

ClinVar aggregate classification (germline): Conflicting classifications of pathogenicity. Review status: criteria provided, conflicting classifications (1 of 4 stars). 7 submissions from 7 submitters: Uncertain significance (4); Likely benign (1). 2 of the submissions do not count toward it. Last evaluated 2026-07-29.

Conditions:
Neurologic, endocrine, and pancreatic disease, multisystem, infantile-onset 2 (IMNEPD2). Also called: YARS1 Deficiency. Identifiers: MedGen C5543623, MONDO:0030375, OMIM 619418.
Inborn genetic diseases. Identifiers: MedGen C0950123, MeSH D030342.
YARS1-related disorder. Also called: YARS1-related condition.
Charcot-Marie-Tooth disease dominant intermediate C (CMTDIC). Also called: CHARCOT-MARIE-TOOTH NEUROPATHY, DOMINANT INTERMEDIATE C. Identifiers: Orphanet 100045, MedGen C1842237, MONDO:0012012, OMIM 608323.

Allele frequency attached by ClinVar (database versions not stated): ExAC 0.00003; TOPMed 0.00003.
gnomAD v4.1: 94 of 1,614,026 alleles (0.0058%); highest among the groups gnomAD compares: Non-Finnish European, 0.0077%; no homozygotes.

Submissions (7):

PreventionGenetics, part of Exact Sciences
Classification: Uncertain significance for YARS1-related condition. Last evaluated: 2026-07-29. Review status: criteria provided, single submitter. Criteria: ACMG Guidelines, 2015. Collection method: clinical testing. Allele origin: germline.
Comment: The YARS1 c.40A>T variant is predicted to result in the amino acid substitution p.Ile14Phe. To our knowledge, this variant has not been reported in individuals with YARS1-related disorders. This variant is reported in 0.014% of alleles in individuals of European (Non-Finnish) descent in gnomAD. At this time, the clinical significance of this variant is uncertain due to the absence of conclusive functional and genetic evidence.

Women's Health and Genetics/Laboratory Corporation of America, LabCorp
Classification: Uncertain significance. Last evaluated: 2025-11-28. Review status: criteria provided, single submitter. Criteria: LabCorp Variant Classification Summary - May 2015. Collection method: clinical testing. Allele origin: germline.
Comment: Variant summary: YARS1 c.40A>T (p.Ile14Phe) results in a non-conservative amino acid change in the encoded protein sequence. Algorithms developed to predict the effect of missense changes on protein structure and function all suggest that this variant is likely to be disruptive. The variant was absent in 282744 control chromosomes. The available data on variant occurrences in the general population are insufficient to allow any conclusion about variant significance. To our knowledge, no occurrence of c.40A>T in individuals affected with YARS1-related conditions and no experimental evidence demonstrating its impact on protein function have been reported. ClinVar contains an entry for this variant (Variation ID: 863098). Based on the evidence outlined above, the variant was classified as uncertain significance.

Labcorp Genetics (formerly Invitae), Labcorp
Classification: Uncertain significance for Charcot-Marie-Tooth disease dominant intermediate C. Last evaluated: 2025-05-04. Review status: criteria provided, single submitter. Criteria: Invitae Variant Classification Sherloc (09022015). Collection method: clinical testing. Allele origin: germline.
Comment: This sequence change replaces isoleucine, which is neutral and non-polar, with phenylalanine, which is neutral and non-polar, at codon 14 of the YARS protein (p.Ile14Phe). This variant is present in population databases (rs763337272, gnomAD 0.01%). This variant has not been reported in the literature in individuals affected with YARS-related conditions. ClinVar contains an entry for this variant (Variation ID: 863098). Invitae Evidence Modeling of protein sequence and biophysical properties (such as structural, functional, and spatial information, amino acid conservation, physicochemical variation, residue mobility, and thermodynamic stability) indicates that this missense variant is expected to disrupt YARS protein function with a positive predictive value of 80%. In summary, the available evidence is currently insufficient to determine the role of this variant in disease. Therefore, it has been classified as a Variant of Uncertain Significance.

MVZ Medizinische Genetik Mainz
Classification: Uncertain significance for Neurologic, endocrine, and pancreatic disease, multisystem, infantile-onset 2. Last evaluated: 2024-01-11. Review status: criteria provided, single submitter. Criteria: UK Practice Guidelines For Variant Classification V4 01 2020. Collection method: clinical testing. Allele origin: germline. Inheritance: Autosomal recessive inheritance. Affected: yes. Observed: 1 variant allele.
Comment: ACMG Criteria: PP3_MOD; Compound Heterozygote

Ambry Genetics
Classification: Likely benign for Inborn genetic diseases. Last evaluated: 2019-10-14. Review status: criteria provided, single submitter. Criteria: Ambry Variant Classification Scheme 2023. Collection method: clinical testing. Allele origin: germline.

Clinical Genetics, Academic Medical Center
Classification: Uncertain significance. Review status: no assertion criteria provided. Collection method: clinical testing. Allele origin: germline. Affected: yes. Study: VKGL Data-share Consensus. Not counted in ClinVar's aggregate classification.

Genome Diagnostics Laboratory, Amsterdam University Medical Center
Classification: Uncertain significance. Review status: no assertion criteria provided. Collection method: clinical testing. Allele origin: germline. Affected: yes. Study: VKGL Data-share Consensus. Not counted in ClinVar's aggregate classification.

NM_003680.4(YARS1):c.40A>T (p.Ile14Phe)

Genes: S100PBP (S100P binding protein; plus strand), YARS1 (tyrosyl-tRNA synthetase 1; minus strand). Cytogenetic location: 1p35.1.
Variant type: single nucleotide variant.
Coding change: c.40A>T on transcript NM_003680.4 (MANE Select); coding-DNA position 40, A replaced by T.
Protein change: p.Ile14Phe; replaces isoleucine 14 with phenylalanine.
Molecular consequence: missense variant.
Genome position (GRCh38, 1-based): chr1:32,817,205, T>A on the plus strand (A>T on the coding strand, the complement: YARS1 is on the minus strand). VCF-style: chr1-32817205-T-A. GRCh37 (hg19) VCF-style: chr1-33282806-T-A.
Other names: short protein forms I14F.
Identifiers: ClinVar variation 863098 (VCV000863098.16), dbSNP rs763337272, ClinGen allele CA745321.
Genomic context (GRCh38, chr1:32,817,205, plus strand): 5'-GCTCCTAATCCCCAACGGCGCATTTCCAACCCCCAGGCCTGACCTGCAGGTTCCGGGTGA[T>A]AAGGTGCAGTTTCTCTTCAGGGCTGGGAGCGTCCCCCATGGCTCCGCTACCCCTGCTTCC-3'
Protein context (NP_003671.1, residues 4-24): APSPEEKLHL[Ile14Phe]TRNLQEVLGE